The following is an entry in ClinVar:

NM_001376.5(DYNC1H1):c.10682G>A (p.Arg3561His)

Gene: DYNC1H1 (dynein cytoplasmic 1 heavy chain 1; plus strand). Cytogenetic location: 14q32.31.
Variant type: single nucleotide variant.
Coding change: c.10682G>A on transcript NM_001376.5 (MANE Select); coding-DNA position 10682, G replaced by A.
Protein change: p.Arg3561His; replaces arginine 3561 with histidine.
Molecular consequence: missense variant.
Genome position (GRCh38, 1-based): chr14:102,034,380, G>A. VCF-style: chr14-102034380-G-A. GRCh37 (hg19) VCF-style: chr14-102500717-G-A.
Other names: short protein forms R3561H.
Identifiers: ClinVar variation 424360 (VCV000424360.7), dbSNP rs1064796932, ClinGen allele CA16619828.

ClinVar aggregate classification (germline): Uncertain significance. Review status: criteria provided, multiple submitters, no conflicts (2 of 4 stars). 2 submissions from 2 submitters: Uncertain significance (2). Last evaluated 2025-05-18.

Conditions:
Charcot-Marie-Tooth disease axonal type 2O. Also called: CHARCOT-MARIE-TOOTH NEUROPATHY, AXONAL, TYPE 2O; CHARCOT-MARIE-TOOTH DISEASE, AXONAL, AUTOSOMAL DOMINANT, TYPE 2O; Charcot-Marie-Tooth disease, axonal, type 20; Charcot-Marie-Tooth Neuropathy Type 2O. Identifiers: Orphanet 284232, MedGen C3280220, MONDO:0013644, OMIM 614228.

Allele frequency attached by ClinVar (database versions not stated): gnomAD 0.00001; TOPMed 0.00001.
gnomAD v4.1: 11 of 1,613,956 alleles (0.00068%); highest among the groups gnomAD compares: South Asian, 0.0011%; no homozygotes.

Submissions (2):

Labcorp Genetics (formerly Invitae), Labcorp
Classification: Uncertain significance for Charcot-Marie-Tooth disease axonal type 2O. Last evaluated: 2025-05-18. Review status: criteria provided, single submitter. Criteria: Invitae Variant Classification Sherloc (09022015). Collection method: clinical testing. Allele origin: germline.
Comment: This sequence change replaces arginine, which is basic and polar, with histidine, which is basic and polar, at codon 3561 of the DYNC1H1 protein (p.Arg3561His). This variant is not present in population databases (gnomAD no frequency). This variant has not been reported in the literature in individuals affected with DYNC1H1-related conditions. ClinVar contains an entry for this variant (Variation ID: 424360). Invitae Evidence Modeling of protein sequence and biophysical properties (such as structural, functional, and spatial information, amino acid conservation, physicochemical variation, residue mobility, and thermodynamic stability) indicates that this missense variant is not expected to disrupt DYNC1H1 protein function with a negative predictive value of 95%. In summary, the available evidence is currently insufficient to determine the role of this variant in disease. Therefore, it has been classified as a Variant of Uncertain Significance.

GeneDx
Classification: Uncertain significance. Last evaluated: 2017-03-23. Review status: criteria provided, single submitter. Criteria: GeneDx Variant Classification (06012015). Collection method: clinical testing. Allele origin: germline. Affected: yes.
Comment: The R3561H variant in the DYNC1H1 gene has not been reported previously as a pathogenic variant, nor as a benign variant, to our knowledge. The R3561H variant is not observed in large population cohorts (Lek et al., 2016; 1000 Genomes Consortium et al., 2015; Exome Variant Server). The R3561H variant is a conservative amino acid substitution, which is not likely to impact secondary protein structure as these residues share similar properties. While this substitution occurs at a position that is conserved across species, in silico analysis is inconsistent in its predictions as to whether or not the variant is damaging to the protein structure/function. We interpret R3561H as a variant of uncertain significance.